The following is an entry in ClinVar:

ClinVar aggregate classification (germline): Likely pathogenic. Review status: criteria provided, multiple submitters, no conflicts (2 of 4 stars). 2 submissions from 2 submitters: Likely pathogenic (2). Last evaluated 2023-08-01.

Conditions:
Pulmonary hypertension, neonatal, susceptibility to (PHN). Identifiers: MedGen C3714958, MONDO:0014151, OMIM 615371.
Congenital hyperammonemia, type I. Also called: Carbamoyl phosphate synthetase I deficiency disease; Carbamoyl phosphate synthetase 1 deficiency; Hyperammonemia due to carbamoyl phosphate synthetase 1 deficiency; CPS 1 deficiency; Carbamyl phosphate synthetase (CPS) deficiency; Carbamoyl-phosphate synthase I deficiency. Identifiers: Orphanet 147, MedGen C4082171, MONDO:0009376, OMIM 237300.

Allele frequency attached by ClinVar (database versions not stated): gnomAD exomes below 0.00001.
gnomAD v4.1: 1 of 1,609,416 alleles (0.000062%); highest among the groups gnomAD compares: Non-Finnish European, 0.000085%; no homozygotes.

Submissions (2):

Baylor Genetics
Classification: Likely pathogenic for Pulmonary hypertension, neonatal, susceptibility to. Last evaluated: 2023-08-01. Review status: criteria provided, single submitter. Criteria: ACMG Guidelines, 2015. Collection method: clinical testing. Allele origin: unknown.

Myriad Genetics, Inc.
Classification: Likely pathogenic for Congenital hyperammonemia, type I. Last evaluated: 2019-05-04. Review status: criteria provided, single submitter. Criteria: Myriad Women's Health Autosomal Recessive and X-Linked Classification Criteria (2019). Collection method: clinical testing. Allele origin: unknown.
Comment: NM_001875.4(CPS1):c.3637C>T(Q1213*) is expected to be pathogenic in the context of carbamoylphosphate synthetase I deficiency. This variant is predicted to lead to an abnormal or absent protein product due to the creation of a premature termination codon in CPS1, a gene where loss-of-function variants are known to be pathogenic. Please note: this variant was assessed in the context of healthy population screening.

NM_001875.5(CPS1):c.3637C>T (p.Gln1213Ter)

Gene: CPS1 (carbamoyl-phosphate synthase 1; plus strand). Cytogenetic location: 2q34.
Variant type: single nucleotide variant.
Coding change: c.3637C>T on transcript NM_001875.5 (MANE Select); coding-DNA position 3637, C replaced by T.
Protein change: p.Gln1213Ter; replaces glutamine 1213 with a stop codon.
Molecular consequence: nonsense. On other transcripts: non-coding transcript variant (2).
Genome position (GRCh38, 1-based): chr2:210,656,603, C>T. VCF-style: chr2-210656603-C-T. GRCh37 (hg19) VCF-style: chr2-211521327-C-T.
Other names: c.3637C>T, p.Gln1213Ter (NM_001122633.3, NM_001369257.1); c.3670C>T, p.Gln1224Ter (NM_001369256.1); short protein forms Q1213*, Q1224*.
Identifiers: ClinVar variation 983916 (VCV000983916.4), dbSNP rs774692248, ClinGen allele CA350437907.
Genomic context (GRCh38, chr2:210,656,603, plus strand): 5'-TCTGAACATGTTGAAGATGCAGGTGTCCACTCGGGAGATGCCACTCTGATGCTGCCCACA[C>T]AAACCATCAGCCAAGGGGCCATTGAAAAGGTCATCATTTATAAATAAAAGTGGAAGGGAA-3'